The following is an entry in ClinVar:

NM_139058.3(ARX):c.1260T>G (p.Pro420=)

Gene: ARX (aristaless related homeobox; minus strand). Cytogenetic location: Xp21.3.
Variant type: single nucleotide variant.
Coding change: c.1260T>G on transcript NM_139058.3 (MANE Select); coding-DNA position 1260, T replaced by G.
Protein change: p.Pro420=; no amino-acid change (proline 420 retained).
Molecular consequence: synonymous variant.
Genome position (GRCh38, 1-based): chrX:25,007,299, A>C on the plus strand (T>G on the coding strand, the complement: ARX is on the minus strand). VCF-style: chrX-25007299-A-C. GRCh37 (hg19) VCF-style: chrX-25025416-A-C.
Identifiers: ClinVar variation 382129 (VCV000382129.4), dbSNP rs1057521263, ClinGen allele CA16608868.

ClinVar aggregate classification (germline): Likely benign. Review status: criteria provided, multiple submitters, no conflicts (2 of 4 stars). 2 submissions from 2 submitters: Likely benign (2). Last evaluated 2026-01-09.

Conditions:
Developmental and epileptic encephalopathy, 1 (DEE1). Also called: X-linked infantile spasms; West's syndrome; Tonic spasms with clustering, arrest of psychomotor development and hypsarrhythmia on EEG; X-Linked Infantile Spasm Syndrome; OHTAHARA SYNDROME, X-LINKED; Epileptic encephalopathy, early infantile, 1. Identifiers: MedGen C3463992, MONDO:0010632, OMIM 308350. Disease mechanism: loss of function.
Intellectual disability, X-linked, with or without seizures, ARX-related. Also called: Mental retardation, X-linked 52; INTELLECTUAL DEVELOPMENTAL DISORDER, X-LINKED 29; MENTAL RETARDATION, X-LINKED 29; MENTAL RETARDATION, X-LINKED 32; MENTAL RETARDATION, X-LINKED 33; MENTAL RETARDATION, X-LINKED 38. Identifiers: Orphanet 777, MedGen C0796244, MONDO:0010317, OMIM 300419.

Allele frequency attached by ClinVar (database versions not stated): gnomAD exomes 0.00002.

Submissions (2):

Labcorp Genetics (formerly Invitae), Labcorp
Classification: Likely benign for Developmental and epileptic encephalopathy, 1; Intellectual disability, X-linked, with or without seizures, ARX-related. Last evaluated: 2026-01-09. Review status: criteria provided, single submitter. Criteria: Invitae Variant Classification Sherloc (09022015). Collection method: clinical testing. Allele origin: germline.

GeneDx
Classification: Likely benign. Last evaluated: 2015-11-24. Review status: criteria provided, single submitter. Criteria: GeneDx Variant Classification (06012015). Collection method: clinical testing. Allele origin: germline. Affected: yes.
Comment: This variant is considered likely benign or benign based on one or more of the following criteria: it is a conservative change, it occurs at a poorly conserved position in the protein, it is predicted to be benign by multiple in silico algorithms, and/or has population frequency not consistent with disease.